The following is an entry in ClinVar:

NM_006531.5(IFT88):c.2083G>T (p.Val695Phe)

Gene: IFT88 (intraflagellar transport 88; plus strand). Cytogenetic location: 13q12.11.
Variant type: single nucleotide variant.
Coding change: c.2083G>T on transcript NM_006531.5 (MANE Select); coding-DNA position 2083, G replaced by T.
Protein change: p.Val695Phe; replaces valine 695 with phenylalanine.
Molecular consequence: missense variant. On other transcripts: non-coding transcript variant (5).
Genome position (GRCh38, 1-based): chr13:20,663,512, G>T. VCF-style: chr13-20663512-G-T. GRCh37 (hg19) VCF-style: chr13-21237651-G-T.
Other names: c.2026G>T, p.Val676Phe (NM_001318491.2); c.2110G>T, p.Val704Phe (NM_001318493.2, NM_001353565.2, NM_001353566.2 and 2 more transcripts); c.2083G>T, p.Val695Phe (NM_001353568.2, NM_001353572.2); c.2008G>T, p.Val670Phe (NM_001353569.2, NM_001353570.2, NM_001353576.2 and 1 more transcripts); c.1981G>T, p.Val661Phe (NM_001353571.2, NM_001353578.2); c.1939G>T, p.Val647Phe (NM_001353573.2); c.1924G>T, p.Val642Phe (NM_001353574.2); c.2150G>T, p.Ser717Ile (NM_001353575.2); and 1 more; short protein forms S717I, V484F, V676F, V647F, V670F, V704F, V642F, V661F.
Identifiers: ClinVar variation 1389328 (VCV001389328.6), dbSNP rs2140850466, ClinGen allele CA387476637.

ClinVar aggregate classification (germline): Uncertain significance (1 of 4 stars; one submission).

Submission:

Labcorp Genetics (formerly Invitae), Labcorp
Classification: Uncertain significance. Last evaluated: 2022-06-27. Review status: criteria provided, single submitter. Criteria: Invitae Variant Classification Sherloc (09022015). Collection method: clinical testing. Allele origin: germline.
Comment: This sequence change replaces valine, which is neutral and non-polar, with phenylalanine, which is neutral and non-polar, at codon 704 of the IFT88 protein (p.Val704Phe). This variant is not present in population databases (gnomAD no frequency). This variant has not been reported in the literature in individuals affected with IFT88-related conditions. Algorithms developed to predict the effect of missense changes on protein structure and function are either unavailable or do not agree on the potential impact of this missense change (SIFT: "Not Available"; PolyPhen-2: "Benign"; Align-GVGD: "Not Available"). Algorithms developed to predict the effect of sequence changes on RNA splicing suggest that this variant may disrupt the consensus splice site. In summary, the available evidence is currently insufficient to determine the role of this variant in disease. Therefore, it has been classified as a Variant of Uncertain Significance.